The following is an entry in ClinVar:

ClinVar aggregate classification (germline): Uncertain significance (1 of 4 stars; one submission).

Conditions:
Hereditary cancer-predisposing syndrome. Also called: Neoplastic Syndromes, Hereditary; Tumor predisposition; Hereditary neoplastic syndrome; Hereditary Cancer Syndrome. Identifiers: Orphanet 140162, MedGen C0027672, MeSH D009386, MONDO:0015356.

Submission:

Ambry Genetics
Classification: Uncertain significance for Hereditary cancer-predisposing syndrome. Last evaluated: 2022-11-20. Review status: criteria provided, single submitter. Criteria: Ambry Variant Classification Scheme 2023. Collection method: clinical testing. Allele origin: germline.
Comment: The p.F2462C variant (also known as c.7385T>G), located in coding exon 15 of the APC gene, results from a T to G substitution at nucleotide position 7385. The phenylalanine at codon 2462 is replaced by cysteine, an amino acid with highly dissimilar properties. This amino acid position is conserved. In addition, in silico predictors for this gene do not accurately predict pathogenicity. Since supporting evidence is limited at this time, the clinical significance of this alteration remains unclear.

NM_000038.6(APC):c.7385T>G (p.Phe2462Cys)

Gene: APC (APC regulator of Wnt signaling pathway; plus strand). Cytogenetic location: 5q22.2.
Variant type: single nucleotide variant.
Coding change: c.7385T>G on transcript NM_000038.6 (MANE Select); coding-DNA position 7385, T replaced by G.
Protein change: p.Phe2462Cys; replaces phenylalanine 2462 with cysteine.
Molecular consequence: missense variant. On other transcripts: non-coding transcript variant (2).
Genome position (GRCh38, 1-based): chr5:112,842,979, T>G. VCF-style: chr5-112842979-T-G. GRCh37 (hg19) VCF-style: chr5-112178676-T-G.
Other names: c.7385T>G, p.Phe2462Cys (NM_001127510.3, NM_001354895.2, NM_001407450.1); c.7331T>G, p.Phe2444Cys (NM_001127511.3); c.7439T>G, p.Phe2480Cys (NM_001354896.2, NM_001407447.1, NM_001407448.1 and 1 more transcripts); c.7415T>G, p.Phe2472Cys (NM_001354897.2); c.7310T>G, p.Phe2437Cys (NM_001354898.2); c.7301T>G, p.Phe2434Cys (NM_001354899.2); c.7262T>G, p.Phe2421Cys (NM_001354900.2); c.7208T>G, p.Phe2403Cys (NM_001354901.2, NM_001407453.1); and 11 more; short protein forms F2179C, F2361C, F2379C, F2437C, F2302C, F2333C, F2444C, F2455C.
Identifiers: ClinVar variation 2452685 (VCV002452685.2), dbSNP rs2149985808, ClinGen allele CA16037418.